The following is an entry in ClinVar:

NM_001164508.2(NEB):c.21840T>C (p.Asp7280=)

Genes: NEB (nebulin; minus strand), RIF1 (replication timing regulatory factor 1; plus strand). Cytogenetic location: 2q23.3.
Variant type: single nucleotide variant.
Coding change: c.21840T>C on transcript NM_001164508.2 (MANE Select); coding-DNA position 21840, T replaced by C.
Protein change: p.Asp7280=; no amino-acid change (aspartic acid 7280 retained).
Molecular consequence: synonymous variant.
Genome position (GRCh38, 1-based): chr2:151,527,481, A>G on the plus strand (T>C on the coding strand, the complement: NEB is on the minus strand). VCF-style: chr2-151527481-A-G. GRCh37 (hg19) VCF-style: chr2-152383995-A-G.
Other names: c.21840T>C, p.Asp7280= (NM_001164507.2); c.21945T>C, p.Asp7315= (NM_001271208.2); c.16737T>C, p.Asp5579= (NM_004543.5).
Identifiers: ClinVar variation 1499881 (VCV001499881.4), dbSNP rs770721746, ClinGen allele CA1906866.

ClinVar aggregate classification (germline): Uncertain significance. Review status: criteria provided, multiple submitters, no conflicts (2 of 4 stars). 2 submissions from 2 submitters: Uncertain significance (2). Last evaluated 2022-08-15.

Conditions:
Nemaline myopathy 2 (NEM2). Also called: Nemaline myopathy 2, autosomal recessive. Identifiers: MedGen C1850569, MONDO:0009725, OMIM 256030.
Arthrogryposis multiplex congenita 6. Identifiers: MedGen C5543431, MONDO:0030281, OMIM 619334.

Allele frequency attached by ClinVar (database versions not stated): gnomAD exomes below 0.00001 and 0.00001; TOPMed below 0.00001; gnomAD 0.00001; ExAC 0.00002.
gnomAD v4.1: 6 of 1,610,128 alleles (0.00037%); highest among the groups gnomAD compares: Admixed American, 0.005%; no homozygotes.

Submissions (2):

Labcorp Genetics (formerly Invitae), Labcorp
Classification: Uncertain significance for Nemaline myopathy 2. Last evaluated: 2022-08-15. Review status: criteria provided, single submitter. Criteria: Invitae Variant Classification Sherloc (09022015). Collection method: clinical testing. Allele origin: germline.
Comment: This sequence change affects codon 7315 of the NEB mRNA. It is a 'silent' change, meaning that it does not change the encoded amino acid sequence of the NEB protein. It affects a nucleotide within the consensus splice site. This variant is present in population databases (rs770721746, gnomAD 0.003%). This variant has not been reported in the literature in individuals affected with NEB-related conditions. ClinVar contains an entry for this variant (Variation ID: 1499881). Algorithms developed to predict the effect of sequence changes on RNA splicing suggest that this variant is not likely to affect RNA splicing. In summary, the available evidence is currently insufficient to determine the role of this variant in disease. Therefore, it has been classified as a Variant of Uncertain Significance.

Fulgent Genetics
Classification: Uncertain significance for Nemaline myopathy 2; Arthrogryposis multiplex congenita 6. Last evaluated: 2021-09-22. Review status: criteria provided, single submitter. Criteria: ACMG Guidelines, 2015. Collection method: clinical testing. Allele origin: unknown.